The following is an entry in ClinVar:

ClinVar aggregate classification (germline): Uncertain significance (1 of 4 stars; one submission).

Conditions:
Insulin-dependent diabetes mellitus secretory diarrhea syndrome (IPEX). Also called: IMMUNODEFICIENCY, POLYENDOCRINOPATHY, AND ENTEROPATHY, X-LINKED; Immunodysregulation, polyendocrinopathy, and enteropathy, X-linked; Immunodeficiency, Polyendocrinopathy, and Enteropathy X-Linked Syndrome; X-Linked Syndrome of Polyendocrinopathy, Immune Dysfunction, and Diarrhea; DIABETES MELLITUS, CONGENITAL INSULIN-DEPENDENT, WITH FATAL SECRETORY DIARRHEA; DIARRHEA, POLYENDOCRINOPATHY, FATAL INFECTION SYNDROME, X-LINKED. Identifiers: Orphanet 37042, MedGen C0342288, MONDO:0010580, OMIM 304790. Disease mechanism: loss of function.

Submission:

Labcorp Genetics (formerly Invitae), Labcorp
Classification: Uncertain significance for Insulin-dependent diabetes mellitus secretory diarrhea syndrome. Last evaluated: 2025-01-20. Review status: criteria provided, single submitter. Criteria: Invitae Variant Classification Sherloc (09022015). Collection method: clinical testing. Allele origin: germline.
Comment: This sequence change replaces glycine, which is neutral and non-polar, with valine, which is neutral and non-polar, at codon 148 of the FOXP3 protein (p.Gly148Val). The frequency data for this variant in the population databases is considered unreliable, as metrics indicate poor data quality at this position in the gnomAD database. This variant has not been reported in the literature in individuals affected with FOXP3-related conditions. Invitae Evidence Modeling of protein sequence and biophysical properties (such as structural, functional, and spatial information, amino acid conservation, physicochemical variation, residue mobility, and thermodynamic stability) indicates that this missense variant is not expected to disrupt FOXP3 protein function with a negative predictive value of 80%. In summary, the available evidence is currently insufficient to determine the role of this variant in disease. Therefore, it has been classified as a Variant of Uncertain Significance.

NM_014009.4(FOXP3):c.443G>T (p.Gly148Val)

Gene: FOXP3 (forkhead box P3; minus strand). Cytogenetic location: Xp11.23.
Variant type: single nucleotide variant.
Coding change: c.443G>T on transcript NM_014009.4 (MANE Select); coding-DNA position 443, G replaced by T.
Protein change: p.Gly148Val; replaces glycine 148 with valine.
Molecular consequence: missense variant.
Genome position (GRCh38, 1-based): chrX:49,257,438, C>A on the plus strand (G>T on the coding strand, the complement: FOXP3 is on the minus strand). VCF-style: chrX-49257438-C-A. GRCh37 (hg19) VCF-style: chrX-49113895-C-A.
Other names: c.338G>T, p.Gly113Val (NM_001114377.2); short protein forms G113V, G148V.
Identifiers: ClinVar variation 3717877 (VCV003717877.2).